The following is an entry in ClinVar:

NM_000257.4(MYH7):c.3803G>C (p.Arg1268Pro)

Gene: MYH7 (myosin heavy chain 7; minus strand). Cytogenetic location: 14q11.2.
Variant type: single nucleotide variant.
Coding change: c.3803G>C on transcript NM_000257.4 (MANE Select); coding-DNA position 3803, G replaced by C.
Protein change: p.Arg1268Pro; replaces arginine 1268 with proline.
Molecular consequence: missense variant.
Genome position (GRCh38, 1-based): chr14:23,419,533, C>G on the plus strand (G>C on the coding strand, the complement: MYH7 is on the minus strand). VCF-style: chr14-23419533-C-G. GRCh37 (hg19) VCF-style: chr14-23888742-C-G.
Other names: p.R1268P:CGT>CCT; c.3803G>C (LRG_384t1); short protein forms R1268P.
Identifiers: ClinVar variation 181233 (VCV000181233.9), dbSNP rs397516194, ClinGen allele CA014107.

ClinVar aggregate classification (germline): Uncertain significance. Review status: criteria provided, multiple submitters, no conflicts (2 of 4 stars). 4 submissions from 4 submitters: Uncertain significance (4). Last evaluated 2025-02-03.

Conditions:
Cardiomyopathy (CMYO). Also called: Cardiomyopathies. Identifiers: Orphanet 167848, MedGen C0878544, MONDO:0004994, HP:0001638. Inheritance: Various modes of inheritance.
Hypertrophic cardiomyopathy. Also called: HYPERTROPHIC MYOCARDIOPATHY. Identifiers: Orphanet 217569, MedGen C0007194, MeSH D002312, MONDO:0005045, HP:0001639.

Submissions (4):

Color Diagnostics, LLC DBA Color Health
Classification: Uncertain significance for Cardiomyopathy. Last evaluated: 2025-02-03. Review status: criteria provided, single submitter. Criteria: ACMG Guidelines, 2015. Collection method: clinical testing. Allele origin: germline.
Comment: This missense variant replaces arginine with proline at codon 1268 of the MYH7 protein. Computational prediction suggests that this variant may have a deleterious impact on protein structure and function. To our knowledge, functional studies have not been reported for this variant. This variant has been reported in an individual affected with hypertrophic cardiomyopathy (PMID: 27532257). This variant has not been identified in the general population by the Genome Aggregation Database (gnomAD). The available evidence is insufficient to determine the role of this variant in disease conclusively. Therefore, this variant is classified as a Variant of Uncertain Significance.

All of Us Research Program, National Institutes of Health
Classification: Uncertain significance for Cardiomyopathy. Last evaluated: 2023-05-16. Review status: criteria provided, single submitter. Criteria: ACMG Guidelines, 2015. Collection method: clinical testing. Allele origin: germline. Inheritance: Autosomal dominant inheritance. Observed: 1 variant allele, 1 heterozygote.
Comment: This missense variant replaces arginine with proline at codon 1268 of the MYH7 protein. Computational prediction suggests that this variant may have a deleterious impact on protein structure and function (internally defined REVEL score threshold >= 0.7, PMID: 27666373). To our knowledge, functional studies have not been reported for this variant. This variant has been reported in an individual affected with hypertrophic cardiomyopathy (PMID: 27532257). This variant has not been identified in the general population by the Genome Aggregation Database (gnomAD). The available evidence is insufficient to determine the role of this variant in disease conclusively. Therefore, this variant is classified as a Variant of Uncertain Significance.

This study involves interpretation of variants in research participants for the purpose of population health screening. Participant phenotype was not available at the time of variant classification. Additional details can be found in publication PMID: 35346344, PMCID: PMC8962531

Labcorp Genetics (formerly Invitae), Labcorp
Classification: Uncertain significance for Hypertrophic cardiomyopathy. Last evaluated: 2022-10-13. Review status: criteria provided, single submitter. Criteria: Invitae Variant Classification Sherloc (09022015). Collection method: clinical testing. Allele origin: germline.
Comment: Advanced modeling of protein sequence and biophysical properties (such as structural, functional, and spatial information, amino acid conservation, physicochemical variation, residue mobility, and thermodynamic stability) performed at Invitae indicates that this missense variant is expected to disrupt MYH7 protein function. In summary, the available evidence is currently insufficient to determine the role of this variant in disease. Therefore, it has been classified as a Variant of Uncertain Significance. ClinVar contains an entry for this variant (Variation ID: 181233). This missense change has been observed in individual(s) with clinical features of hypertrophic cardiomyopathy (PMID: 27532257). This variant is not present in population databases (gnomAD no frequency). This sequence change replaces arginine, which is basic and polar, with proline, which is neutral and non-polar, at codon 1268 of the MYH7 protein (p.Arg1268Pro).

GeneDx
Classification: Uncertain significance. Last evaluated: 2021-04-28. Review status: criteria provided, single submitter. Criteria: GeneDx Variant Classification Process June 2021. Collection method: clinical testing. Allele origin: germline. Affected: yes.
Comment: Not observed in large population cohorts (Lek et al., 2016); In silico analysis supports that this missense variant has a deleterious effect on protein structure/function; This variant is associated with the following publications: (PMID: 27532257)

Literature cited by the submitters: PubMed 27532257 (cited by 3 submitters).